The following is an entry in ClinVar:

ClinVar aggregate classification (germline): Uncertain significance. Review status: criteria provided, multiple submitters, no conflicts (2 of 4 stars). 3 submissions from 2 submitters: Uncertain significance (2). 1 of the submissions does not count toward it. Last evaluated 2026-06-20.

Conditions:
GJA8-related disorder. Also called: GJA8-related condition.
Developmental cataract. Also called: Congenital cataracts; Congenital cataract; Bilateral cataracts. Identifiers: MedGen C0009691, HP:0000519.
Cataract 1 multiple types. Also called: CATARACT 1, STELLATE NUCLEAR, WITH MICROCORNEA; CATARACT, DUFFY-LINKED; CATARACT 1, POSTERIOR SUBCAPSULAR, WITH MICROCORNEA; CATARACT 1, MULTIPLE TYPES, WITH OR WITHOUT MICROCORNEA; CATARACT 1, NUCLEAR PROGRESSIVE; CATARACT 1 WITH MICROCORNEA. Identifiers: Orphanet 1377, MedGen C1861828, MONDO:0007285, OMIM 116200.

Submissions (3):

PreventionGenetics, part of Exact Sciences
Classification: Uncertain significance for GJA8-related condition. Last evaluated: 2026-06-20. Review status: criteria provided, single submitter. Criteria: ACMG Guidelines, 2015. Collection method: clinical testing. Allele origin: germline.
Comment: The GJA8 c.392_394delAGA variant is predicted to result in an in-frame deletion (p.Lys131del). This variant has been reported with uncertain significance in an individual with congenital cataracts (Jones et al. 2022. PubMed ID: 36161833). This variant is present in 0.0033% of alleles in individuals of South Asian descent in gnomAD. At this time, the clinical significance of this variant is uncertain due to the absence of conclusive functional and genetic evidence.

Dept. Genetics and Cancer, Menzies Institute for Medical Research, University of Tasmania
Classification: Uncertain significance for Cataract 1 multiple types. Last evaluated: 2023-01-21. Review status: criteria provided, single submitter. Criteria: ACMG Guidelines, 2015. Collection method: curation. Allele origin: germline. Affected: yes.
Comment: Variant identified and curated during a GJA8 specific review of the literature in relation to pediatric or congenital cataract. ACMG-AMP criteria applied: PM4, PM2(Supporting). Original variant report: PMID:36161833. The cataract phenotype reported for this variant is: Central nuclear. Gene review and curation guidelines are outlined in: DOI 10.1080/17469899.2023.2160320

Dept. Genetics and Cancer, Menzies Institute for Medical Research, University of Tasmania
Classification: Uncertain significance for Developmental cataract. Last evaluated: 2021-05-01. Review status: no assertion criteria provided. Criteria: ACMG Guidelines, 2015. Collection method: research. Allele origin: germline. Affected: yes. Not counted in ClinVar's aggregate classification.
Comment: PM2, PM4_supporting, PP3. Absent/near absent from population databases. In-frame deletion changes protein length, but in cytoplasmic region with variable amino acid conservation between species. Multiple predictive tools assessing variant as damaging/pathogenic.

Literature cited by the submitters: PubMed 36161833 (cited by Dept. Genetics and Cancer, Menzies Institute for Medical Research, University of Tasmania).

NM_005267.5(GJA8):c.389AGA[1] (p.Lys131del)

Gene: GJA8 (gap junction protein alpha 8; plus strand). Cytogenetic location: 1q21.2.
Variant type: Microsatellite.
Coding change: c.389AGA[1] on transcript NM_005267.5 (MANE Select); one copy of the 3-base unit AGA starting at c.389; the reference has two copies in a row; one copy, 3 bases deleted.
Protein change: p.Lys131del; deletes lysine 131.
Molecular consequence: inframe deletion.
Genome position (GRCh38, 1-based): chr1:147,908,347-147,908,349, AGA deleted; deleting any 3 consecutive bases within chr1:147,908,343-147,908,349 gives the same sequence; the position shown is the placement nearest the transcript's 3' end. VCF-style (leftmost placement, unchanged base first): chr1-147908342-CAAG-C. GRCh37 (hg19) VCF-style: chr1-147380469-CAAG-C.
Other names: c.388_390del (NM_005267.5); c.392_394delAGA (NM_005267.4); short protein forms K131del.
Identifiers: ClinVar variation 1065590 (VCV001065590.3), dbSNP rs782150699, ClinGen allele CA1065933.